The following is an entry in ClinVar:

ClinVar aggregate classification (germline): Likely benign (1 of 4 stars; one submission).

gnomAD v4.1: 4 of 1,605,302 alleles (0.00025%); highest among the groups gnomAD compares: Non-Finnish European, 0.00034%; no homozygotes.

Submission:

Women's Health and Genetics/Laboratory Corporation of America, LabCorp
Classification: Likely benign. Last evaluated: 2024-10-07. Review status: criteria provided, single submitter. Criteria: LabCorp Variant Classification Summary - May 2015. Collection method: clinical testing. Allele origin: germline.
Comment: Variant summary: RELN c.5211-16T>G alters a nucleotide located at a position not widely known to affect splicing. The variant was absent in 234934 control chromosomes. The available data on variant occurrences in the general population are insufficient to allow any conclusion about variant significance. To our knowledge, no occurrence of c.5211-16T>G in individuals affected with Epilepsy Familial Temporal Lobe 7 and no experimental evidence demonstrating its impact on protein function have been reported. No submitters have cited clinical-significance assessments for this variant to ClinVar. Based on the evidence outlined above, the variant was classified as likely benign.

NM_005045.4(RELN):c.5211-16T>G

Gene: RELN (reelin; minus strand). Cytogenetic location: 7q22.1.
Variant type: single nucleotide variant.
Coding change: c.5211-16T>G on transcript NM_005045.4 (MANE Select); 16 bases into the intron before coding-DNA position 5211, T replaced by G.
Molecular consequence: intron variant.
Genome position (GRCh38, 1-based): chr7:103,561,969, A>C on the plus strand (T>G on the coding strand, the complement: RELN is on the minus strand). VCF-style: chr7-103561969-A-C. GRCh37 (hg19) VCF-style: chr7-103202416-A-C.
Other names: c.5211-16T>G (NM_173054.3).
Identifiers: ClinVar variation 3384902 (VCV003384902.1).